The following is an entry in ClinVar:

NM_000548.5(TSC2):c.3602G>A (p.Arg1201Lys)

Gene: TSC2 (TSC complex subunit 2; plus strand). Cytogenetic location: 16p13.3.
Variant type: single nucleotide variant.
Coding change: c.3602G>A on transcript NM_000548.5 (MANE Select); coding-DNA position 3602, G replaced by A.
Protein change: p.Arg1201Lys; replaces arginine 1201 with lysine.
Molecular consequence: missense variant.
Genome position (GRCh38, 1-based): chr16:2,080,369, G>A. VCF-style: chr16-2080369-G-A. GRCh37 (hg19) VCF-style: chr16-2130370-G-A.
Other names: c.3470G>A, p.Arg1157Lys (NM_001077183.3, NM_001370404.1); c.3602G>A, p.Arg1201Lys (NM_001114382.3); c.3362G>A, p.Arg1121Lys (NM_001318827.2); c.3326G>A, p.Arg1109Lys (NM_001318829.2); c.2870G>A, p.Arg957Lys (NM_001318831.2); c.3503G>A, p.Arg1168Lys (NM_001318832.2); c.3473G>A, p.Arg1158Lys (NM_001363528.2, NM_001370405.1, NM_021055.3); short protein forms R1201K, R1157K, R1158K, R1168K, R1109K, R1121K, R957K.
Identifiers: ClinVar variation 653824 (VCV000653824.10), dbSNP rs1596390955, ClinGen allele CA394289723.
Genomic context (GRCh38, chr16:2,080,369, plus strand): 5'-CGAACCTGGCGGCCTATGTGCCCCTGCTGACCCAGGGCTGGGCGGAGATCCTGGTCCGGA[G>A]GCCCACAGGTACTGGGCGGGGCTGGCCTGAGCGCCATCTTTCTGCCAGTCACCCACAGAG-3'
Protein context (NP_000539.2, residues 1191-1211): TQGWAEILVR[Arg1201Lys]PTGNTSWLMS

ClinVar aggregate classification (germline): Uncertain significance. Review status: criteria provided, multiple submitters, no conflicts (2 of 4 stars). 3 submissions from 3 submitters: Uncertain significance (3). Last evaluated 2025-11-15.

Conditions:
Tuberous sclerosis 2 (TSC2). Identifiers: Orphanet 805, MedGen C1860707, MONDO:0013199, OMIM 613254.
Hereditary cancer-predisposing syndrome. Also called: Neoplastic Syndromes, Hereditary; Hereditary neoplastic syndrome; Hereditary Cancer Syndrome; Tumor predisposition. Identifiers: Orphanet 140162, MedGen C0027672, MeSH D009386, MONDO:0015356.
Tuberous sclerosis syndrome (TSC). Also called: Tuberous sclerosis; Tuberous Sclerosis Complex. Identifiers: Orphanet 805, MedGen C0041341, MONDO:0001734.

Allele frequency attached by ClinVar (database versions not stated): gnomAD exomes below 0.00001.

Submissions (3):

Ambry Genetics
Classification: Uncertain significance for Hereditary cancer-predisposing syndrome. Last evaluated: 2025-11-15. Review status: criteria provided, single submitter. Criteria: Ambry Variant Classification Scheme 2023. Collection method: clinical testing. Allele origin: germline.
Comment: The p.R1201K variant (also known as c.3602G>A), located in coding exon 29 of the TSC2 gene, results from a G to A substitution at nucleotide position 3602. The arginine at codon 1201 is replaced by lysine, an amino acid with highly similar properties. This amino acid position is conserved. In addition, this alteration is predicted to be deleterious by in silico analysis. Based on the available evidence, the clinical significance of this variant remains unclear.

Labcorp Genetics (formerly Invitae), Labcorp
Classification: Uncertain significance for Tuberous sclerosis 2. Last evaluated: 2022-07-08. Review status: criteria provided, single submitter. Criteria: Invitae Variant Classification Sherloc (09022015). Collection method: clinical testing. Allele origin: germline.
Comment: Algorithms developed to predict the effect of missense changes on protein structure and function are either unavailable or do not agree on the potential impact of this missense change (SIFT: "Deleterious"; PolyPhen-2: "Probably Damaging"; Align-GVGD: "Class C0"). This sequence change replaces arginine, which is basic and polar, with lysine, which is basic and polar, at codon 1201 of the TSC2 protein (p.Arg1201Lys). This variant is not present in population databases (gnomAD no frequency). This variant has not been reported in the literature in individuals affected with TSC2-related conditions. ClinVar contains an entry for this variant (Variation ID: 653824). In summary, the available evidence is currently insufficient to determine the role of this variant in disease. Therefore, it has been classified as a Variant of Uncertain Significance.

Department of Pathology and Laboratory Medicine, Sinai Health System
Classification: Uncertain significance for tuberous sclerosis. Last evaluated: 2021-05-21. Review status: criteria provided, single submitter. Criteria: ACMG Guidelines, 2015. Collection method: research. Allele origin: germline.